The following is an entry in ClinVar:

ClinVar aggregate classification (germline): Uncertain significance (1 of 4 stars; one submission).

Submission:

Women's Health and Genetics/Laboratory Corporation of America, LabCorp
Classification: Uncertain significance. Last evaluated: 2025-04-21. Review status: criteria provided, single submitter. Criteria: LabCorp Variant Classification Summary - May 2015. Collection method: clinical testing. Allele origin: germline.
Comment: Variant summary: FGG c.673G>A (p.Asp225Asn) results in a conservative amino acid change in the encoded protein sequence. Three of five in-silico tools predict a damaging effect of the variant on protein function. The variant was absent in 248748 control chromosomes. The available data on variant occurrences in the general population are insufficient to allow any conclusion about variant significance. To our knowledge, no occurrence of c.673G>A in individuals affected with Congenital Dysfibrinogenemia and no experimental evidence demonstrating its impact on protein function have been reported. No submitters have cited clinical-significance assessments for this variant to ClinVar. Based on the evidence outlined above, the variant was classified as uncertain significance.

NM_021870.3(FGG):c.673G>A (p.Asp225Asn)

Gene: FGG (fibrinogen gamma chain; minus strand). Cytogenetic location: 4q32.1.
Variant type: single nucleotide variant.
Coding change: c.673G>A on transcript NM_021870.3 (MANE Select); coding-DNA position 673, G replaced by A.
Protein change: p.Asp225Asn; replaces aspartic acid 225 with asparagine.
Molecular consequence: missense variant.
Genome position (GRCh38, 1-based): chr4:154,608,644, C>T on the plus strand (G>A on the coding strand, the complement: FGG is on the minus strand). VCF-style: chr4-154608644-C-T. GRCh37 (hg19) VCF-style: chr4-155529796-C-T.
Other names: c.673G>A, p.Asp225Asn (NM_000509.6); short protein forms D225N.
Identifiers: ClinVar variation 3896159 (VCV003896159.2).